The following is an entry in ClinVar:

ClinVar aggregate classification (germline): Uncertain significance. Review status: criteria provided, multiple submitters, no conflicts (2 of 4 stars). 2 submissions from 2 submitters: Uncertain significance (2). Last evaluated 2025-01-31.

Conditions:
Inborn genetic diseases. Identifiers: MedGen C0950123, MeSH D030342.

Allele frequency attached by ClinVar (database versions not stated): gnomAD exomes 0.00003 and 0.00009; ExAC 0.00014; 1000 Genomes Project 30x 0.00016; 1000 Genomes Project 0.00020; ESP Exome Variant Server 0.00033; gnomAD 0.00033 and 0.00036; TOPMed 0.00035.
gnomAD v4.1: 90 of 1,614,096 alleles (0.0056%); highest among the groups gnomAD compares: African/African-American, 0.11%; no homozygotes.

Submissions (3):

Ambry Genetics
Classification: Uncertain significance for Inborn genetic diseases. Last evaluated: 2025-01-31. Review status: criteria provided, single submitter. Criteria: Ambry Variant Classification Scheme 2023. Collection method: clinical testing. Allele origin: germline.

Labcorp Genetics (formerly Invitae), Labcorp
Classification: Uncertain significance. Last evaluated: 2021-11-28. Review status: criteria provided, single submitter. Criteria: Invitae Variant Classification Sherloc (09022015). Collection method: clinical testing. Allele origin: germline.
Comment: This sequence change replaces lysine, which is basic and polar, with arginine, which is basic and polar, at codon 1080 of the CEP152 protein (p.Lys1080Arg). This variant is present in population databases (rs200167001, gnomAD 0.1%). This variant has not been reported in the literature in individuals affected with CEP152-related conditions. Algorithms developed to predict the effect of missense changes on protein structure and function output the following: SIFT: "Tolerated"; PolyPhen-2: "Benign"; Align-GVGD: "Class C0". The arginine amino acid residue is found in multiple mammalian species, which suggests that this missense change does not adversely affect protein function. Algorithms developed to predict the effect of sequence changes on RNA splicing suggest that this variant may create or strengthen a splice site. In summary, the available evidence is currently insufficient to determine the role of this variant in disease. Therefore, it has been classified as a Variant of Uncertain Significance.

Dr. Peter K. Rogan Lab, Western University
No classification provided (evidence only). Condition: Colon adenocarcinoma. Review status: no classification provided. Collection method: in vitro. Allele origin: not applicable. Functional consequence: retained intron. Not counted in ClinVar's aggregate classification.

NM_001194998.2(CEP152):c.3239A>G (p.Lys1080Arg)

Gene: CEP152 (centrosomal protein 152; minus strand). Cytogenetic location: 15q21.1.
Variant type: single nucleotide variant.
Coding change: c.3239A>G on transcript NM_001194998.2 (MANE Select); coding-DNA position 3239, A replaced by G.
Protein change: p.Lys1080Arg; replaces lysine 1080 with arginine.
Molecular consequence: missense variant.
Genome position (GRCh38, 1-based): chr15:48,756,009, T>C on the plus strand (A>G on the coding strand, the complement: CEP152 is on the minus strand). VCF-style: chr15-48756009-T-C. GRCh37 (hg19) VCF-style: chr15-49048206-T-C.
Other names: c.3239A>G, p.Lys1080Arg (NM_014985.4); c.3239A>G (NM_014985.3); short protein forms K1080R.
Identifiers: ClinVar variation 1501625 (VCV001501625.6), dbSNP rs200167001, ClinGen allele CA7548401.